The following is an entry in ClinVar:

NM_000465.4(BARD1):c.2001+3_2001+4delinsTTTTC

Gene: BARD1 (BRCA1 associated RING domain 1; minus strand). Cytogenetic location: 2q35.
Variant type: Indel.
Coding change: c.2001+3_2001+4delinsTTTTC on transcript NM_000465.4 (MANE Select); bases 3 to 4 of the intron after coding-DNA position 2001, AT replaced by TTTTC.
Molecular consequence: intron variant.
Genome position (GRCh38, 1-based): chr2:214,730,407-214,730,408, AT replaced by GAAAA on the plus strand (AT replaced by TTTTC on the coding strand, the reverse complement: BARD1 is on the minus strand). VCF-style: chr2-214730407-AT-GAAAA. GRCh37 (hg19) VCF-style: chr2-215595131-AT-GAAAA.
Other names: c.591+3_591+4delinsTTTTC (NM_001282548.2); c.1944+3_1944+4delinsTTTTC (NM_001282543.2); c.648+3_648+4delinsTTTTC (NM_001282545.2); c.462+3_462+4delinsTTTTC (NM_001282549.2).
Identifiers: ClinVar variation 1784242 (VCV001784242.3), dbSNP rs2469276765, ClinGen allele CA2580065659.
Genomic context (GRCh38, chr2:214,730,407, plus strand): 5'-CTGATGGTGATAATAATAGTATGTCATAATAAGAACAATGAAAGTTGTATTAAAAGAAAA[AT>GAAAA]ACCAGCTGTTCTCTGTTGAGCCTGCTTCTGCGTGGACCTTCAGGAATTTCATACTTTTCT-3'

ClinVar aggregate classification (germline): Uncertain significance (1 of 4 stars; one submission).

Conditions:
Hereditary cancer-predisposing syndrome. Also called: Tumor predisposition; Hereditary Cancer Syndrome; Hereditary neoplastic syndrome; Neoplastic Syndromes, Hereditary. Identifiers: Orphanet 140162, MedGen C0027672, MeSH D009386, MONDO:0015356.

Submission:

Ambry Genetics
Classification: Uncertain significance for Hereditary cancer-predisposing syndrome. Last evaluated: 2026-02-11. Review status: criteria provided, single submitter. Criteria: Ambry Variant Classification Scheme 2023. Collection method: clinical testing. Allele origin: germline.
Comment: The c.2001+3_2001+4delATinsTTTTC intronic variant, located in intron 10 of the BARD1 gene, results from an in-frame deletion of two nucleotides and the insertion of 5 nucleotides at nucleotide position 2001. This nucleotide position is well conserved in available vertebrate species. In silico splice site analysis predicts that this alteration will weaken the native splice donor site. Based on the available evidence, the clinical significance of this variant remains unclear.